The following is an entry in ClinVar:

NM_001401501.2(MUC16):c.42526C>A (p.Leu14176Met)

Gene: MUC16 (mucin 16, cell surface associated; minus strand). Cytogenetic location: 19p13.2.
Variant type: single nucleotide variant.
Coding change: c.42526C>A on transcript NM_001401501.2 (MANE Select); coding-DNA position 42526, C replaced by A.
Protein change: p.Leu14176Met; replaces leucine 14176 with methionine.
Molecular consequence: missense variant.
Genome position (GRCh38, 1-based): chr19:8,892,964, G>T on the plus strand (C>A on the coding strand, the complement: MUC16 is on the minus strand). VCF-style: chr19-8892964-G-T. GRCh37 (hg19) VCF-style: chr19-9003640-G-T.
Other names: c.42952C>A, p.Leu14318Met (NM_001414686.1); c.42406C>A, p.Leu14136Met (NM_001414687.1); c.40000C>A, p.Leu13334Met (NM_024690.2); short protein forms L13334M, L14136M, L14176M, L14318M.
Identifiers: ClinVar variation 3060214 (VCV003060214.2), dbSNP rs76660617, ClinGen allele CA9163695.
Genomic context (GRCh38, chr19:8,892,964, plus strand): 5'-CCCTCTCCGTGGTGTTGAACTTCCTGGAGCCAGGGCGACGCATGTCCTCCTCATACTGCA[G>T]GTTAGTGATGGTAAAATTGAGGGTGAATGGCAGCAGGACAGGGCCAGTGGCTGTAGTAAA-3'
Protein context (NP_001388430.1, residues 14166-14186): PFTLNFTITN[Leu14176Met]QYEEDMRRPG

ClinVar aggregate classification (germline): Benign (0 of 4 stars; one submission).

Conditions:
MUC16-related disorder. Also called: MUC16-related condition.

Allele frequency attached by ClinVar (database versions not stated): ESP Exome Variant Server 0.00781; gnomAD exomes 0.00847; gnomAD 0.01654; TOPMed 0.02062; ExAC 0.02415; 1000 Genomes Project 30x 0.04482; 1000 Genomes Project 0.04593.

Submission:

PreventionGenetics, part of Exact Sciences
Classification: Benign for MUC16-related condition. Last evaluated: 2020-01-03. Review status: no assertion criteria provided. Collection method: clinical testing. Allele origin: germline.
Comment: This variant is classified as benign based on ACMG/AMP sequence variant interpretation guidelines (Richards et al. 2015 PMID: 25741868, with internal and published modifications).